The following is an entry in ClinVar:

ClinVar aggregate classification (germline): Pathogenic (1 of 4 stars; one submission).

Conditions:
Laron-type isolated somatotropin defect. Also called: Laron Syndrome; Growth hormone binding protein deficiency or dysfunction; Growth hormone receptor deficiency or dysfunction; Laron dwarfism; Laron type pituitary dwarfism I; GROWTH HORMONE RECEPTOR DEFICIENCY. Identifiers: Orphanet 633, MedGen C0271568, MONDO:0009877, OMIM 262500.

gnomAD v4.1: 2 of 1,567,286 alleles (0.00013%); highest among the groups gnomAD compares: Non-Finnish European, 0.00018%; no homozygotes.

Submission:

3billion
Classification: Pathogenic for Laron-type isolated somatotropin defect. Last evaluated: 2025-08-19. Review status: criteria provided, single submitter. Criteria: ACMG Guidelines, 2015. Collection method: clinical testing. Allele origin: germline. Affected: yes.
Comment: The variant is observed at an extremely low frequency in the gnomAD v4.1.0 dataset (total allele frequency: <0.001%). Predicted Consequence/Location: Canonical splice site: predicted to alter splicing and result in a loss or disruption of normal protein function. Multiple pathogenic loss-of-function variants are reported downstream of the variant. In silico tools predict the variant to alter splicing and produce an abnormal transcript [SpliceAI: 1.00 (spliceogenicity >=0.2, non-spliceogenicity <0.1)]. The variant has been reported to be associated with GHR-related disorder (PMID: 15751611). Therefore, this variant is classified as Pathogenic according to the recommendation of ACMG/AMP guideline.

Literature cited by the submitters: PubMed 15751611.

NM_000163.5(GHR):c.618+1G>A

Gene: GHR (growth hormone receptor; plus strand). Cytogenetic location: 5p12.
Variant type: single nucleotide variant.
Coding change: c.618+1G>A on transcript NM_000163.5 (MANE Select); the canonical splice donor site of the intron after coding-DNA position 618, G replaced by A.
Molecular consequence: splice donor variant.
Genome position (GRCh38, 1-based): chr5:42,700,003, G>A. VCF-style: chr5-42700003-G-A. GRCh37 (hg19) VCF-style: chr5-42700105-G-A.
Other names: c.552+1G>A (NM_001242460.2); c.618+1G>A (NM_001242400.2, NM_001242401.4, NM_001242402.2 and 5 more transcripts); c.639+1G>A (NM_001242399.2).
Identifiers: ClinVar variation 4854899 (VCV004854899.1).